The following is an entry in ClinVar:

ClinVar aggregate classification (germline): Uncertain significance (1 of 4 stars; one submission).

Submission:

Labcorp Genetics (formerly Invitae), Labcorp
Classification: Uncertain significance. Last evaluated: 2022-07-19. Review status: criteria provided, single submitter. Criteria: Invitae Variant Classification Sherloc (09022015). Collection method: clinical testing. Allele origin: germline.
Comment: In summary, the available evidence is currently insufficient to determine the role of this variant in disease. Therefore, it has been classified as a Variant of Uncertain Significance. Algorithms developed to predict the effect of sequence changes on RNA splicing suggest that this variant may create or strengthen a splice site. Experimental studies and prediction algorithms are not available or were not evaluated, and the functional significance of this variant is currently unknown. ClinVar contains an entry for this variant (Variation ID: 1441978). This variant has not been reported in the literature in individuals affected with LRRC56-related conditions. This variant is not present in population databases (gnomAD no frequency). This variant, c.660_661insGCAGATGTGAGG, results in the insertion of 4 amino acid(s) of the LRRC56 protein (p.Arg220_Lys221insAlaAspValArg), but otherwise preserves the integrity of the reading frame.

NM_198075.4(LRRC56):c.660_661insGCAGATGTGAGG (p.Arg220_Lys221insAlaAspValArg)

Gene: LRRC56 (leucine rich repeat containing 56; plus strand). Cytogenetic location: 11p15.5.
Variant type: Insertion.
Coding change: c.660_661insGCAGATGTGAGG on transcript NM_198075.4 (MANE Select); coding-DNA positions 660 to 661, GCAGATGTGAGG inserted.
Protein change: p.Arg220_Lys221insAlaAspValArg.
Molecular consequence: inframe insertion.
Genome position: GRCh38 VCF-style: chr11-551160-G-GGTGAGGGCAGAT. GRCh37 (hg19) VCF-style: chr11-551160-G-GGTGAGGGCAGAT.
Identifiers: ClinVar variation 1441978 (VCV001441978.6), dbSNP rs2134064105, ClinGen allele CA2573147075.